The following is an entry in ClinVar:

ClinVar aggregate classification (germline): Uncertain significance (1 of 4 stars; one submission).

Conditions:
Inborn genetic diseases. Identifiers: MedGen C0950123, MeSH D030342.

Submission:

Ambry Genetics
Classification: Uncertain significance for Inborn genetic diseases. Last evaluated: 2022-09-05. Review status: criteria provided, single submitter. Criteria: Ambry Variant Classification Scheme 2023. Collection method: clinical testing. Allele origin: germline.
Comment: The p.I134F variant (also known as c.400A>T), located in coding exon 4 of the LRRK2 gene, results from an A to T substitution at nucleotide position 400. The isoleucine at codon 134 is replaced by phenylalanine, an amino acid with highly similar properties. This amino acid position is conserved. In addition, this alteration is predicted to be tolerated by in silico analysis. Since supporting evidence is limited at this time, the clinical significance of this alteration remains unclear.

NM_198578.4(LRRK2):c.400A>T (p.Ile134Phe)

Gene: LRRK2 (leucine rich repeat kinase 2; plus strand). Cytogenetic location: 12q12.
Variant type: single nucleotide variant.
Coding change: c.400A>T on transcript NM_198578.4 (MANE Select); coding-DNA position 400, A replaced by T.
Protein change: p.Ile134Phe; replaces isoleucine 134 with phenylalanine.
Molecular consequence: missense variant.
Genome position (GRCh38, 1-based): chr12:40,235,678, A>T. VCF-style: chr12-40235678-A-T. GRCh37 (hg19) VCF-style: chr12-40629480-A-T.
Other names: short protein forms I134F.
Identifiers: ClinVar variation 1736996 (VCV001736996.2), dbSNP rs1308754760, ClinGen allele CA384402887.
Genomic context (GRCh38, chr12:40,235,678, plus strand): 5'-AACTCCAGATTGATTCTTAAAATGCTAACAGTTCATAATGCCAGTGTAAACTTGTCAGTG[A>T]TTGGACTGAAGACCTTAGATCTCCTCCTAACTTCAGGTAATATGTGTATATGTTTTTTGT-3'
Protein context (NP_940980.4, residues 124-144): VHNASVNLSV[Ile134Phe]GLKTLDLLLT